The following is an entry in ClinVar:

ClinVar aggregate classification (germline): Pathogenic/Likely pathogenic. Review status: criteria provided, multiple submitters, no conflicts (2 of 4 stars). 3 submissions from 3 submitters: Pathogenic (2); Likely pathogenic (1). Last evaluated 2024-03-20.

Conditions:
Mucopolysaccharidosis type 6 (MPS6). Also called: ARSB DEFICIENCY; ARYLSULFATASE B DEFICIENCY; MPS 6; Maroteaux Lamy syndrome; N-ACETYLGALACTOSAMINE-4-SULFATASE DEFICIENCY; MPS VI. Identifiers: Orphanet 583, MedGen C0026709, MONDO:0009661, OMIM 253200.

Submissions (3):

Baylor Genetics
Classification: Likely pathogenic for Mucopolysaccharidosis type 6. Last evaluated: 2024-03-20. Review status: criteria provided, single submitter. Criteria: ACMG Guidelines, 2015. Collection method: clinical testing. Allele origin: unknown.

Labcorp Genetics (formerly Invitae), Labcorp
Classification: Pathogenic for Mucopolysaccharidosis type 6. Last evaluated: 2023-06-19. Review status: criteria provided, single submitter. Criteria: Invitae Variant Classification Sherloc (09022015). Collection method: clinical testing. Allele origin: germline.
Comment: This sequence change creates a premature translational stop signal (p.Gly40Profs*81) in the ARSB gene. It is expected to result in an absent or disrupted protein product. Loss-of-function variants in ARSB are known to be pathogenic (PMID: 17458871, 22133300). This variant is not present in population databases (gnomAD no frequency). This variant has not been reported in the literature in individuals affected with ARSB-related conditions. ClinVar contains an entry for this variant (Variation ID: 92353). For these reasons, this variant has been classified as Pathogenic.

Eurofins Ntd Llc (ga)
Classification: Pathogenic. Last evaluated: 2013-07-25. Review status: criteria provided, single submitter. Criteria: EGL Classification Definitions 2015. Collection method: clinical testing. Allele origin: germline. Observed: 1 variant allele, 1 heterozygote.

Literature cited by the submitters: PubMed 17458871 (cited by Labcorp Genetics (formerly Invitae), Labcorp); PubMed 22133300 (cited by Labcorp Genetics (formerly Invitae), Labcorp).

NM_000046.5(ARSB):c.118_134del (p.Gly40fs)

Genes: ARSB (arylsulfatase B; minus strand), LOC129994126 (ATAC-STARR-seq lymphoblastoid silent region 16127; plus strand). Cytogenetic location: 5q14.1.
Variant type: Deletion.
Coding change: c.118_134del on transcript NM_000046.5 (MANE Select); coding-DNA positions 118 to 134, 17 bases deleted (GGGGCCAGCCGGCCGCC).
Protein change: p.Gly40fs; shifts the reading frame from glycine 40.
Molecular consequence: frameshift variant.
Genome position (GRCh38, 1-based): chr5:78,985,115-78,985,131, GGCGGCCGGCTGGCCCC deleted on the plus strand (GGGGCCAGCCGGCCGCC on the coding strand, the reverse complement: ARSB is on the minus strand); deleting any 17 consecutive bases within chr5:78,985,115-78,985,135 gives the same sequence; the c. name uses the placement nearest the transcript's 3' end. VCF-style (leftmost placement, unchanged base first): chr5-78985114-GGGCGGCCGGCTGGCCCC-G. GRCh37 (hg19) VCF-style: chr5-78280937-GGGCGGCCGGCTGGCCCC-G.
Other names: c.118_134del, p.Gly40fs (NM_198709.3); c.118_134delGGGGCCAGCCGGCCGCC (NM_000046.3); short protein forms G40fs.
Identifiers: ClinVar variation 92353 (VCV000092353.9), dbSNP rs398123123, ClinGen allele CA220285.